The following is an entry in ClinVar:

NM_002016.2(FLG):c.4925_4928del (p.Ser1642fs)

Genes: CCDST (cervical cancer associated DHX9 suppressive transcript; plus strand), FLG (filaggrin; minus strand). Cytogenetic location: 1q21.3.
Variant type: Deletion.
Coding change: c.4925_4928del on transcript NM_002016.2 (MANE Select); coding-DNA positions 4925 to 4928, 4 bases deleted (GTCA; older notation c.4925_4928delGTCA).
Protein change: p.Ser1642fs; shifts the reading frame from serine 1642.
Molecular consequence: frameshift variant.
Genome position (GRCh38, 1-based): chr1:152,309,958-152,309,961, TGAC deleted on the plus strand (GTCA on the coding strand, the reverse complement: FLG is on the minus strand); deleting any 4 consecutive bases within chr1:152,309,958-152,309,963 gives the same sequence; the c. name uses the placement nearest the transcript's 3' end. VCF-style (leftmost placement, unchanged base first): chr1-152309957-ATGAC-A. GRCh37 (hg19) VCF-style: chr1-152282433-ATGAC-A.
Other names: short protein forms S1642fs.
Identifiers: ClinVar variation 1334604 (VCV001334604.4), dbSNP rs2101646027, ClinGen allele CA2573051368.
Genomic context (GRCh38, chr1:152,309,957, plus strand): 5'-ACCAGAGGAAGTCTCTGCATGACGAGTGCCTGATTGTCTGGAGCTCTCTGCAGAGTGCCC[ATGAC>A]TGGCTCTATCTTCTTGATGGGACCTGGGGTTCCTGGAGCCATGTCTTGACTGCTCCCGAG-3'

ClinVar aggregate classification (germline): Likely pathogenic (1 of 4 stars; one submission).

Conditions:
Ichthyosis vulgaris. Also called: Dominant ichthyosis vulgaris; ICHTHYOSIS SIMPLEX. Identifiers: MedGen C0079584, MONDO:0024304, OMIM 146700.

Submission:

Greenwood Genetic Center Diagnostic Laboratories, Greenwood Genetic Center
Classification: Likely pathogenic for Ichthyosis vulgaris. Last evaluated: 2021-06-09. Review status: criteria provided, single submitter. Criteria: ACMG Guidelines, 2015. Collection method: clinical testing. Allele origin: germline. Affected: yes.
Comment: PVS1, PM2